The following is an entry in ClinVar:

NM_025000.4(DCAF17):c.1092-2A>G

Gene: DCAF17 (DDB1 and CUL4 associated factor 17; plus strand). Cytogenetic location: 2q31.1.
Variant type: single nucleotide variant.
Coding change: c.1092-2A>G on transcript NM_025000.4 (MANE Select); the canonical splice acceptor site of the intron before coding-DNA position 1092, A replaced by G.
Molecular consequence: splice acceptor variant. On other transcripts: intron variant (1).
Genome position (GRCh38, 1-based): chr2:171,476,858, A>G. VCF-style: chr2-171476858-A-G. GRCh37 (hg19) VCF-style: chr2-172333368-A-G.
Other names: c.982-1129A>G (NM_001164821.2).
Identifiers: ClinVar variation 2827432 (VCV002827432.3), dbSNP rs1185777867, ClinGen allele CA349278956.

ClinVar aggregate classification (germline): Likely pathogenic (1 of 4 stars; one submission).

Conditions:
Woodhouse-Sakati syndrome. Also called: Hypogonadism, Alopecia, Diabetes Mellitus, Mental Retardation, and Extrapyramidal Syndrome; Hypogonadism, diabetes mellitus, alopecia, mental retardation and electrocardiographic abnormalities; EXTRAPYRAMIDAL DISORDER, PROGRESSIVE, WITH PRIMARY HYPOGONADISM, MENTAL RETARDATION, AND ALOPECIA. Identifiers: Orphanet 3464, MedGen C0342286, MONDO:0009419, OMIM 241080.

Allele frequency attached by ClinVar (database versions not stated): TOPMed 0.00001.

Submission:

Labcorp Genetics (formerly Invitae), Labcorp
Classification: Likely pathogenic for Woodhouse-Sakati syndrome. Last evaluated: 2023-06-02. Review status: criteria provided, single submitter. Criteria: Invitae Variant Classification Sherloc (09022015). Collection method: clinical testing. Allele origin: germline.
Comment: This sequence change affects an acceptor splice site in intron 10 of the DCAF17 gene. It is expected to disrupt RNA splicing. Variants that disrupt the donor or acceptor splice site typically lead to a loss of protein function (PMID: 16199547), and loss-of-function variants in DCAF17 are known to be pathogenic (PMID: 19026396, 20507343). This variant is not present in population databases (gnomAD no frequency). This variant has not been reported in the literature in individuals affected with DCAF17-related conditions. Algorithms developed to predict the effect of sequence changes on RNA splicing suggest that this variant may disrupt the consensus splice site. In summary, the currently available evidence indicates that the variant is pathogenic, but additional data are needed to prove that conclusively. Therefore, this variant has been classified as Likely Pathogenic.

Literature cited by the submitters: PubMed 16199547; PubMed 19026396; PubMed 20507343.